The following is an entry in ClinVar:

ClinVar aggregate classification (germline): Uncertain significance (1 of 4 stars; one submission).

Allele frequency attached by ClinVar (database versions not stated): gnomAD exomes below 0.00001; TOPMed below 0.00001; gnomAD 0.00001.
gnomAD v4.1: 3 of 1,613,040 alleles (0.00019%); highest among the groups gnomAD compares: African/African-American, 0.0013%; no homozygotes.

Submission:

Ambry Genetics
Classification: Uncertain significance. Last evaluated: 2023-04-22. Review status: criteria provided, single submitter. Criteria: Ambry Variant Classification Scheme 2023. Collection method: clinical testing. Allele origin: germline.
Comment: The p.I778M variant (also known as c.2334T>G), located in coding exon 21 of the PRKDC gene, results from a T to G substitution at nucleotide position 2334. The isoleucine at codon 778 is replaced by methionine, an amino acid with highly similar properties. This amino acid position is conserved. In addition, this alteration is predicted to be tolerated by in silico analysis. Since supporting evidence is limited at this time, the clinical significance of this alteration remains unclear.

NM_006904.7(PRKDC):c.2334T>G (p.Ile778Met)

Gene: PRKDC (protein kinase, DNA-activated, catalytic subunit; minus strand). Cytogenetic location: 8q11.21.
Variant type: single nucleotide variant.
Coding change: c.2334T>G on transcript NM_006904.7 (MANE Select); coding-DNA position 2334, T replaced by G.
Protein change: p.Ile778Met; replaces isoleucine 778 with methionine.
Molecular consequence: missense variant.
Genome position (GRCh38, 1-based): chr8:47,927,279, A>C on the plus strand (T>G on the coding strand, the complement: PRKDC is on the minus strand). VCF-style: chr8-47927279-A-C. GRCh37 (hg19) VCF-style: chr8-48839839-A-C.
Other names: c.2334T>G, p.Ile778Met (NM_001081640.2); short protein forms I778M.
Identifiers: ClinVar variation 2564529 (VCV002564529.2), dbSNP rs909197510, ClinGen allele CA176163856.